The following is an entry in ClinVar:

ClinVar aggregate classification (germline): Benign. Review status: criteria provided, multiple submitters, no conflicts (2 of 4 stars). 8 submissions from 8 submitters: Benign (8). Last evaluated 2026-02-04.

Allele frequency attached by ClinVar (database versions not stated): gnomAD exomes 0.30565 and 0.32204; ExAC 0.32569; TOPMed 0.35315; gnomAD 0.35323 and 0.35691; ESP Exome Variant Server 0.35645; 1000 Genomes Project 0.35823; 1000 Genomes Project 30x 0.36446.
gnomAD v4.1: 500,274 of 1,611,558 alleles (31%); highest among the groups gnomAD compares: African/African-American, 47%; 79,438 homozygotes.

Submissions (8):

Labcorp Genetics (formerly Invitae), Labcorp
Classification: Benign. Last evaluated: 2026-02-04. Review status: criteria provided, single submitter. Criteria: Invitae Variant Classification Sherloc (09022015). Collection method: clinical testing. Allele origin: germline.

ARUP Laboratories, Molecular Genetics and Genomics, ARUP Laboratories
Classification: Benign. Last evaluated: 2025-07-28. Review status: criteria provided, single submitter. Criteria: ARUP Molecular Germline Variant Investigation Process 2024. Collection method: clinical testing. Allele origin: germline.

Blueprint Genetics
Classification: Benign. Last evaluated: 2024-11-27. Review status: criteria provided, single submitter. Criteria: ACMG Guidelines, 2015. Collection method: clinical testing. Allele origin: germline.

Unidad de Genómica Garrahan, Hospital de Pediatría Garrahan
Classification: Benign. Last evaluated: 2024-01-24. Review status: criteria provided, single submitter. Criteria: ACMG Guidelines, 2015. Collection method: clinical testing. Allele origin: germline. Affected: no. Observed: 42 variant alleles.
Comment: This variant is classified as Benign based on local population frequency. This variant was detected in 48% of patients studied by a panel of primary immunodeficiencies. Number of patients: 42. Only high quality variants are reported.

Mayo Clinic Laboratories, Mayo Clinic
Classification: Benign. Last evaluated: 2023-03-28. Review status: criteria provided, single submitter. Criteria: ACMG Guidelines, 2015. Collection method: clinical testing. Allele origin: germline. Observed: 165 variant alleles.
Comment: BA1

GeneDx
Classification: Benign. Last evaluated: 2018-11-12. Review status: criteria provided, single submitter. Criteria: GeneDx Variant Classification Process June 2021. Collection method: clinical testing. Allele origin: germline. Affected: yes.

Laboratory for Molecular Medicine, Mass General Brigham Personalized Medicine
Classification: Benign. Last evaluated: 2016-03-29. Review status: criteria provided, single submitter. Criteria: LMM Criteria. Collection method: clinical testing. Allele origin: germline.
Comment: Variant identified in a genome or exome case(s) and assessed due to predicted null impact of the variant or pathogenic assertions in the literature or databases. Disclaimer: This variant has not undergone full assessment. The following are preliminary notes: Frequency

Breakthrough Genomics
Classification: Benign. Review status: criteria provided, single submitter. Criteria: ACMG Guidelines, 2015. Collection method: not provided. Allele origin: germline. Inheritance: Autosomal dominant inheritance. Affected: yes.

NM_004972.4(JAK2):c.489C>T (p.His163=)

Genes: JAK2 (Janus kinase 2; plus strand), INSL6 (insulin like 6; minus strand). Cytogenetic location: 9p24.1.
Variant type: single nucleotide variant.
Coding change: c.489C>T on transcript NM_004972.4 (MANE Select); coding-DNA position 489, C replaced by T.
Protein change: p.His163=; no amino-acid change (histidine 163 retained).
Molecular consequence: synonymous variant. On other transcripts: 5 prime UTR variant (2), non-coding transcript variant (2).
Genome position (GRCh38, 1-based): chr9:5,050,706, C>T. VCF-style: chr9-5050706-C-T. GRCh37 (hg19) VCF-style: chr9-5050706-C-T.
Other names: p.His163=; c.489C>T, p.His163= (NM_001322194.2, NM_001322195.2, NM_001322196.2); c.-632C>T (NM_001322198.2, NM_001322199.2); c.42C>T, p.His14= (NM_001322204.2).
Identifiers: ClinVar variation 367122 (VCV000367122.18), dbSNP rs2230722, ClinGen allele CA4971606.